The following is an entry in ClinVar:

ClinVar aggregate classification (germline): Benign (1 of 4 stars; one submission).

Allele frequency attached by ClinVar (database versions not stated): 1000 Genomes Project 0.07967; 1000 Genomes Project 30x 0.08182; TOPMed 0.10654; gnomAD 0.11291 and 0.11421.
gnomAD v4.1: 17,181 of 152,028 alleles (11%); highest among the groups gnomAD compares: Non-Finnish European, 16%; 1,139 homozygotes.

Submission:

GeneDx
Classification: Benign. Last evaluated: 2018-06-19. Review status: criteria provided, single submitter. Criteria: GeneDx Variant Classification (06012015). Collection method: clinical testing. Allele origin: germline. Affected: yes.
Comment: This variant is considered likely benign or benign based on one or more of the following criteria: it is a conservative change, it occurs at a poorly conserved position in the protein, it is predicted to be benign by multiple in silico algorithms, and/or has population frequency not consistent with disease.

NM_000153.4(GALC):c.1161+301C>T

Gene: GALC (galactosylceramidase; minus strand). Cytogenetic location: 14q31.3.
Variant type: single nucleotide variant.
Coding change: c.1161+301C>T on transcript NM_000153.4 (MANE Select); 301 bases into the intron after coding-DNA position 1161, C replaced by T.
Molecular consequence: intron variant.
Genome position (GRCh38, 1-based): chr14:87,963,083, G>A on the plus strand (C>T on the coding strand, the complement: GALC is on the minus strand). VCF-style: chr14-87963083-G-A. GRCh37 (hg19) VCF-style: chr14-88429427-G-A.
Other names: c.1083+301C>T (NM_001201402.2); c.1092+301C>T (NM_001201401.2).
Identifiers: ClinVar variation 672031 (VCV000672031.1), dbSNP rs3906822, ClinGen allele CA13997354.